The following is an entry in ClinVar:

ClinVar aggregate classification (germline): Uncertain significance (1 of 4 stars; one submission).

Conditions:
Generalized epilepsy with febrile seizures plus, type 7 (GEFSP7). Also called: GEFS+, TYPE 7. Identifiers: Orphanet 36387, MedGen C2751778, MONDO:0013470, OMIM 613863.
Neuropathy, hereditary sensory and autonomic, type 2A (HSAN2A). Also called: HSAN IIA; ACROOSTEOLYSIS, GIACCAI TYPE; ACROOSTEOLYSIS, NEUROGENIC; MORVAN DISEASE; NEUROPATHY, CONGENITAL SENSORY; NEUROPATHY, HEREDITARY SENSORY RADICULAR, AUTOSOMAL RECESSIVE. Identifiers: Orphanet 970, MedGen C2752089, MONDO:0024309, OMIM 201300.

Allele frequency attached by ClinVar (database versions not stated): gnomAD exomes below 0.00001; ExAC 0.00001.
gnomAD v4.1: 1 of 1,600,142 alleles (0.000062%); highest among the groups gnomAD compares: Non-Finnish European, 0.000085%; no homozygotes.

Submission:

Labcorp Genetics (formerly Invitae), Labcorp
Classification: Uncertain significance for Neuropathy, hereditary sensory and autonomic, type 2A; Generalized epilepsy with febrile seizures plus, type 7. Last evaluated: 2018-09-20. Review status: criteria provided, single submitter. Criteria: Invitae Variant Classification Sherloc (09022015). Collection method: clinical testing. Allele origin: germline.
Comment: This sequence change replaces glutamic acid with aspartic acid at codon 1465 of the SCN9A protein (p.Glu1465Asp). The glutamic acid residue is highly conserved and there is a small physicochemical difference between glutamic acid and aspartic acid. This variant is present in population databases (rs200501298, ExAC 0.002%). This variant has not been reported in the literature in individuals with SCN9A-related disease. Algorithms developed to predict the effect of missense changes on protein structure and function (SIFT, PolyPhen-2, Align-GVGD) all suggest that this variant is likely to be disruptive, but these predictions have not been confirmed by published functional studies and their clinical significance is uncertain. In summary, the available evidence is currently insufficient to determine the role of this variant in disease. Therefore, it has been classified as a Variant of Uncertain Significance.

NM_001365536.1(SCN9A):c.4428A>C (p.Glu1476Asp)

Genes: SCN1A-AS1 (SCN1A and SCN9A antisense RNA 1; plus strand), SCN9A (sodium voltage-gated channel alpha subunit 9; minus strand). Cytogenetic location: 2q24.3.
Variant type: single nucleotide variant.
Coding change: c.4428A>C on transcript NM_001365536.1 (MANE Select); coding-DNA position 4428, A replaced by C.
Protein change: p.Glu1476Asp; replaces glutamic acid 1476 with aspartic acid.
Molecular consequence: missense variant.
Genome position (GRCh38, 1-based): chr2:166,204,435, T>G on the plus strand (A>C on the coding strand, the complement: SCN9A is on the minus strand). VCF-style: chr2-166204435-T-G. GRCh37 (hg19) VCF-style: chr2-167060945-T-G.
Other names: c.4395A>C, p.Glu1465Asp (NM_002977.4); short protein forms E1476D, E1465D.
Identifiers: ClinVar variation 643402 (VCV000643402.9), dbSNP rs200501298, ClinGen allele CA1943870.